The following is an entry in ClinVar:

NM_001354483.2(CSGALNACT1):c.1574A>T (p.Gln525Leu)

Gene: CSGALNACT1 (chondroitin sulfate N-acetylgalactosaminyltransferase 1; minus strand). Cytogenetic location: 8p21.3.
Variant type: single nucleotide variant.
Coding change: c.1574A>T on transcript NM_001354483.2 (MANE Select); coding-DNA position 1574, A replaced by T.
Protein change: p.Gln525Leu; replaces glutamine 525 with leucine.
Molecular consequence: missense variant. On other transcripts: non-coding transcript variant (7).
Genome position (GRCh38, 1-based): chr8:19,405,805, T>A on the plus strand (A>T on the coding strand, the complement: CSGALNACT1 is on the minus strand). VCF-style: chr8-19405805-T-A. GRCh37 (hg19) VCF-style: chr8-19263316-T-A.
Other names: c.1574A>T, p.Gln525Leu (NM_001130518.2, NM_001354475.2, NM_001354476.2 and 18 more transcripts); short protein forms Q525L.
Identifiers: ClinVar variation 2207262 (VCV002207262.4), dbSNP rs752428087, ClinGen allele CA4653723.
Genomic context (GRCh38, chr8:19,405,805, plus strand): 5'-AGAAAAAGTGTCTCCCACAATCCTTCTCTGGGAGTTCATGTTTTTTTGCTACTTGTCTTC[T>A]GTTTCTGTTTGCGAAGGTGAGCCTCTATCTCGTGCCTGAACACCAGCATGCCCAGCTGGC-3'
Protein context (NP_001341412.1, residues 515-532): EIEAHLRKQK[Gln525Leu]KTSSKKT

ClinVar aggregate classification (germline): Uncertain significance. Review status: criteria provided, multiple submitters, no conflicts (2 of 4 stars). 2 submissions from 2 submitters: Uncertain significance (2). Last evaluated 2025-01-16.

Conditions:
Inborn genetic diseases. Identifiers: MedGen C0950123, MeSH D030342.

Allele frequency attached by ClinVar (database versions not stated): ExAC 0.00001; gnomAD 0.00002; TOPMed 0.00004.
gnomAD v4.1: 32 of 1,613,540 alleles (0.002%); highest among the groups gnomAD compares: Middle Eastern, 0.066%; no homozygotes.

Submissions (2):

Ambry Genetics
Classification: Uncertain significance for Inborn genetic diseases. Last evaluated: 2025-01-16. Review status: criteria provided, single submitter. Criteria: Ambry Variant Classification Scheme 2023. Collection method: clinical testing. Allele origin: germline.

Labcorp Genetics (formerly Invitae), Labcorp
Classification: Uncertain significance. Last evaluated: 2024-01-05. Review status: criteria provided, single submitter. Criteria: Invitae Variant Classification Sherloc (09022015). Collection method: clinical testing. Allele origin: germline.
Comment: This sequence change replaces glutamine, which is neutral and polar, with leucine, which is neutral and non-polar, at codon 525 of the CSGALNACT1 protein (p.Gln525Leu). This variant is present in population databases (rs752428087, gnomAD 0.007%). This variant has not been reported in the literature in individuals affected with CSGALNACT1-related conditions. ClinVar contains an entry for this variant (Variation ID: 2207262). Experimental studies and prediction algorithms are not available or were not evaluated, and the functional significance of this variant is currently unknown. In summary, the available evidence is currently insufficient to determine the role of this variant in disease. Therefore, it has been classified as a Variant of Uncertain Significance.